The following is an entry in ClinVar:

ClinVar aggregate classification (germline): Uncertain significance (1 of 4 stars; one submission).

Conditions:
Dilated cardiomyopathy 1O (CMD1O). Also called: CARDIOMYOPATHY, DILATED, WITH VENTRICULAR TACHYCARDIA. Identifiers: Orphanet 154, MedGen C1837839, MONDO:0012062, OMIM 608569.

Allele frequency attached by ClinVar (database versions not stated): gnomAD exomes below 0.00001; TOPMed below 0.00001; gnomAD 0.00001.

Submission:

Labcorp Genetics (formerly Invitae), Labcorp
Classification: Uncertain significance for Dilated cardiomyopathy 1O. Last evaluated: 2024-06-20. Review status: criteria provided, single submitter. Criteria: Invitae Variant Classification Sherloc (09022015). Collection method: clinical testing. Allele origin: germline.
Comment: This sequence change replaces threonine, which is neutral and polar, with isoleucine, which is neutral and non-polar, at codon 675 of the ABCC9 protein (p.Thr675Ile). This variant is not present in population databases (gnomAD no frequency). This variant has not been reported in the literature in individuals affected with ABCC9-related conditions. ClinVar contains an entry for this variant (Variation ID: 953648). Advanced modeling of protein sequence and biophysical properties (such as structural, functional, and spatial information, amino acid conservation, physicochemical variation, residue mobility, and thermodynamic stability) has been performed at Invitae for this missense variant, however the output from this modeling did not meet the statistical confidence thresholds required to predict the impact of this variant on ABCC9 protein function. In summary, the available evidence is currently insufficient to determine the role of this variant in disease. Therefore, it has been classified as a Variant of Uncertain Significance.

NM_020297.4(ABCC9):c.2024C>T (p.Thr675Ile)

Gene: ABCC9 (ATP binding cassette subfamily C member 9; minus strand). Cytogenetic location: 12p12.1.
Variant type: single nucleotide variant.
Coding change: c.2024C>T on transcript NM_020297.4 (MANE Select); coding-DNA position 2024, C replaced by T.
Protein change: p.Thr675Ile; replaces threonine 675 with isoleucine.
Molecular consequence: missense variant.
Genome position (GRCh38, 1-based): chr12:21,875,722, G>A on the plus strand (C>T on the coding strand, the complement: ABCC9 is on the minus strand). VCF-style: chr12-21875722-G-A. GRCh37 (hg19) VCF-style: chr12-22028656-G-A.
Other names: c.2024C>T, p.Thr675Ile (NM_001377273.1, NM_005691.4); c.1160C>T, p.Thr387Ile (NM_001377274.1); short protein forms T387I, T675I.
Identifiers: ClinVar variation 953648 (VCV000953648.9), dbSNP rs1179158950, ClinGen allele CA384134468.